The following is an entry in ClinVar:

ClinVar aggregate classification (germline): Uncertain significance (1 of 4 stars; one submission).

Submission:

ISCA site 4
Classification: Uncertain significance. Last evaluated: 2011-08-12. Review status: criteria provided, single submitter. Criteria: Kaminsky et al. (Genet Med. 2011). Collection method: clinical testing. Allele origin: unknown. Affected: yes. Observed: 1 variant allele.
Comment: Copy number variation identified through the course of routine clinical cytogenomic testing in postnatal populations. Clinical assertions have been curated as described in Kaminsky et al. 2011.

GRCh38/hg38 1p35.1-34.3(chr1:33564892-34725930)x3

Genes: C1orf94 (chromosome 1 open reading frame 94; plus strand), CSMD2 (CUB and Sushi multiple domains 2; minus strand), CSMD2-AS1 (CSMD2 antisense RNA 1; plus strand), HMGB4 (high mobility group box 4; plus strand), MIR552 (microRNA 552; minus strand) and 11 more. Cytogenetic location: 1p35.1-34.3.
Variant type: copy number gain.
Change: copy number 3 (three copies instead of two) of chr1:33,564,892-34,725,930 (1.16 Mb, GRCh38 coordinates, 1-based), cytogenetic band 1p35.1-34.3.
Identifiers: ClinVar variation 57241 (VCV000057241.1).